The following is an entry in ClinVar:

NM_001382280.1(LRRC53):c.3124_3126del (p.Pro1042del)

Genes: FPGT-TNNI3K (FPGT-TNNI3K readthrough; plus strand), LRRC53 (leucine rich repeat containing 53; minus strand), TNNI3K (TNNI3 interacting kinase; plus strand). Cytogenetic location: 1p31.1.
Variant type: Deletion.
Coding change: c.3124_3126del on transcript NM_001382280.1 (MANE Select); coding-DNA positions 3124 to 3126, 3 bases deleted (CCT; older notation c.3124_3126delCCT).
Protein change: p.Pro1042del; deletes proline 1042.
Molecular consequence: inframe deletion. On other transcripts: intron variant (2).
Genome position (GRCh38, 1-based): chr1:74,470,496-74,470,498, AGG deleted on the plus strand (CCT on the coding strand, the reverse complement: LRRC53 is on the minus strand); deleting any 3 consecutive bases within chr1:74,470,496-74,470,500 gives the same sequence; the c. name uses the placement nearest the transcript's 3' end. VCF-style (leftmost placement, unchanged base first): chr1-74470495-CAGG-C. GRCh37 (hg19) VCF-style: chr1-74936179-CAGG-C.
Other names: c.3028_3030del, p.Pro1010del (NM_001364666.2); c.2424+6948_2424+6950del (NM_001112808.3); c.2121+6948_2121+6950del (NM_015978.3); short protein forms P1010del, P1042del.
Identifiers: ClinVar variation 4872359 (VCV004872359.2).

ClinVar aggregate classification (germline): Benign (1 of 4 stars; one submission).

Submission:

CeGaT Center for Human Genetics Tuebingen
Classification: Benign. Last evaluated: 2026-04-01. Review status: criteria provided, single submitter. Criteria: CeGaT Center For Human Genetics Tuebingen Variant Classification Criteria Version 2. Collection method: clinical testing. Allele origin: germline. Affected: yes. Observed: 1 variant allele.
Comment: LRRC53: PM4:Supporting, BS1, BS2